The following is an entry in ClinVar:

NM_001267550.2(TTN):c.95326A>T (p.Asn31776Tyr)

Genes: TTN-AS1 (TTN antisense RNA 1; plus strand), TTN (titin; minus strand). Cytogenetic location: 2q31.2.
Variant type: single nucleotide variant.
Coding change: c.95326A>T on transcript NM_001267550.2 (MANE Select); coding-DNA position 95326, A replaced by T.
Protein change: p.Asn31776Tyr; replaces asparagine 31776 with tyrosine.
Molecular consequence: missense variant.
Genome position (GRCh38, 1-based): chr2:178,545,910, T>A on the plus strand (A>T on the coding strand, the complement: TTN is on the minus strand). VCF-style: chr2-178545910-T-A. GRCh37 (hg19) VCF-style: chr2-179410637-T-A.
Other names: c.90403A>T, p.Asn30135Tyr (NM_001256850.1); c.68131A>T, p.Asn22711Tyr (NM_003319.4); c.87622A>T, p.Asn29208Tyr (NM_133378.4); c.68506A>T, p.Asn22836Tyr (NM_133432.3); c.68707A>T, p.Asn22903Tyr (NM_133437.4); short protein forms N29208Y, N22836Y, N30135Y, N31776Y, N22711Y, N22903Y.
Identifiers: ClinVar variation 1442315 (VCV001442315.6), dbSNP rs2154145486, ClinGen allele CA349462932.

ClinVar aggregate classification (germline): Uncertain significance (1 of 4 stars; one submission).

Conditions:
Dilated cardiomyopathy 1G (CMD1G). Identifiers: Orphanet 154, MedGen C1858763, MONDO:0011400, OMIM 604145.
Autosomal recessive limb-girdle muscular dystrophy type 2J (LGMDR10). Also called: MUSCULAR DYSTROPHY, LIMB-GIRDLE, AUTOSOMAL RECESSIVE 10; Limb-girdle muscular dystrophy, type 2J. Identifiers: Orphanet 140922, MedGen C1837342, MONDO:0012127, OMIM 608807.

Submission:

Labcorp Genetics (formerly Invitae), Labcorp
Classification: Uncertain significance for Dilated cardiomyopathy 1G; Autosomal recessive limb-girdle muscular dystrophy type 2J. Last evaluated: 2022-08-09. Review status: criteria provided, single submitter. Criteria: Invitae Variant Classification Sherloc (09022015). Collection method: clinical testing. Allele origin: germline.
Comment: In summary, the available evidence is currently insufficient to determine the role of this variant in disease. Therefore, it has been classified as a Variant of Uncertain Significance. This sequence change replaces asparagine with tyrosine at codon 31776 of the TTN protein (p.Asn31776Tyr). There is a large physicochemical difference between asparagine and tyrosine. This variant is not present in population databases (gnomAD no frequency). This variant has not been reported in the literature in individuals affected with TTN-related conditions. ClinVar contains an entry for this variant (Variation ID: 1442315). Experimental studies and prediction algorithms are not available or were not evaluated, and the functional significance of this variant is currently unknown. This variant is located in the A band of TTN (PMID: 25589632). Variants in this region may be relevant for cardiac or neuromuscular disorders (PMID: 25589632, 23975875).

Literature cited by the submitters: PubMed 25589632; PubMed 23975875.